The following is an entry in ClinVar:

NM_017882.3(CLN6):c.255C>G (p.Phe85Leu)

Gene: CLN6 (CLN6 transmembrane ER protein; minus strand). Cytogenetic location: 15q23.
Variant type: single nucleotide variant.
Coding change: c.255C>G on transcript NM_017882.3 (MANE Select); coding-DNA position 255, C replaced by G.
Protein change: p.Phe85Leu; replaces phenylalanine 85 with leucine.
Molecular consequence: missense variant.
Genome position (GRCh38, 1-based): chr15:68,214,332, G>C on the plus strand (C>G on the coding strand, the complement: CLN6 is on the minus strand). VCF-style: chr15-68214332-G-C. GRCh37 (hg19) VCF-style: chr15-68506670-G-C.
Other names: p.F85L:TTC>TTG; short protein forms F85L.
Identifiers: ClinVar variation 205162 (VCV000205162.12), dbSNP rs545955828, ClinGen allele CA313955.

ClinVar aggregate classification (germline): Uncertain significance. Review status: criteria provided, multiple submitters, no conflicts (2 of 4 stars). 5 submissions from 5 submitters: Uncertain significance (5). Last evaluated 2025-09-12.

Conditions:
Ceroid lipofuscinosis, neuronal, 6B (Kufs type). Also called: Neuronal ceroid lipofuscinosis 4A. Identifiers: Orphanet 700477, MedGen C5561927, MONDO:0008768, OMIM 204300.
Ceroid lipofuscinosis, neuronal, 6A. Also called: Neuronal ceroid lipofuscinosis, Gypsy/Indian early juvenile variant; Neuronal ceroid lipofuscinosis 6; CLN6-Related Neuronal Ceroid-Lipofuscinosis; Neuronal ceroid lipofuscinosis, late infantile, variant. Identifiers: Orphanet 168491, Orphanet 228363, MedGen C5551375, MONDO:0011144, OMIM 601780.
Neuronal ceroid lipofuscinosis. Also called: Neuronal Ceroid Lipofuscinoses. Identifiers: Orphanet 216, Orphanet 79263, MedGen C0027877, MONDO:0016295. Disease mechanism: loss of function.

Allele frequency attached by ClinVar (database versions not stated): gnomAD 0.00001 and 0.00002; gnomAD exomes 0.00001 and 0.00002; ExAC 0.00002; TOPMed 0.00002.
gnomAD v4.1: 15 of 1,614,142 alleles (0.00093%); highest among the groups gnomAD compares: East Asian, 0.0089%; no homozygotes.

Submissions (5):

GeneDx
Classification: Uncertain significance. Last evaluated: 2025-09-12. Review status: criteria provided, single submitter. Criteria: GeneDx Variant Classification Process June 2021. Collection method: clinical testing. Allele origin: germline. Affected: yes.
Comment: Not observed at significant frequency in large population cohorts (gnomAD); In silico analysis supports that this missense variant has a deleterious effect on protein structure/function; Has not been previously published as pathogenic or benign to our knowledge; This variant is associated with the following publications: (PMID: 30019023)

Labcorp Genetics (formerly Invitae), Labcorp
Classification: Uncertain significance for Neuronal ceroid lipofuscinosis. Last evaluated: 2025-01-15. Review status: criteria provided, single submitter. Criteria: Invitae Variant Classification Sherloc (09022015). Collection method: clinical testing. Allele origin: germline.
Comment: This sequence change replaces phenylalanine, which is neutral and non-polar, with leucine, which is neutral and non-polar, at codon 85 of the CLN6 protein (p.Phe85Leu). This variant is present in population databases (rs545955828, gnomAD 0.006%). This variant has not been reported in the literature in individuals affected with CLN6-related conditions. ClinVar contains an entry for this variant (Variation ID: 205162). Invitae Evidence Modeling of protein sequence and biophysical properties (such as structural, functional, and spatial information, amino acid conservation, physicochemical variation, residue mobility, and thermodynamic stability) indicates that this missense variant is not expected to disrupt CLN6 protein function with a negative predictive value of 80%. In summary, the available evidence is currently insufficient to determine the role of this variant in disease. Therefore, it has been classified as a Variant of Uncertain Significance.

Blueprint Genetics
Classification: Uncertain significance. Last evaluated: 2024-09-10. Review status: criteria provided, single submitter. Criteria: ACMG Guidelines, 2015. Collection method: clinical testing. Allele origin: germline.

Fulgent Genetics
Classification: Uncertain significance for Ceroid lipofuscinosis, neuronal, 6B (Kufs type); Ceroid lipofuscinosis, neuronal, 6A. Last evaluated: 2021-12-07. Review status: criteria provided, single submitter. Criteria: ACMG Guidelines, 2015. Collection method: clinical testing. Allele origin: unknown.

Illumina Laboratory Services, Illumina
Classification: Uncertain significance for Neuronal ceroid lipofuscinosis. Last evaluated: 2018-01-12. Review status: criteria provided, single submitter. Criteria: ICSL Variant Classification Criteria 13 December 2019. Collection method: clinical testing. Allele origin: germline.